The following is an entry in ClinVar:

ClinVar aggregate classification (germline): Likely pathogenic. Review status: criteria provided, multiple submitters, no conflicts (2 of 4 stars). 2 submissions from 2 submitters: Likely pathogenic (2). Last evaluated 2026-03-20.

Conditions:
Ververi-Brady syndrome. Identifiers: MedGen C4693824, MONDO:0979877.

Submissions (2):

GeneDx
Classification: Likely pathogenic. Last evaluated: 2026-03-20. Review status: criteria provided, single submitter. Criteria: GeneDx Variant Classification Process June 2021. Collection method: clinical testing. Allele origin: germline.
Comment: Canonical splice site variant predicted to result in an in-frame loss of the adjacent exon in a gene for which loss of function is a known mechanism of disease; Not observed at significant frequency in large population cohorts (gnomAD); Has not been previously published as pathogenic or benign to our knowledge

Revvity Omics, Revvity
Classification: Likely pathogenic for Ververi-Brady syndrome 1. Last evaluated: 2023-10-13. Review status: criteria provided, single submitter. Criteria: ACMG Guidelines, 2015. Collection method: clinical testing. Allele origin: germline.

NM_198880.3(QRICH1):c.288_309+2del

Gene: QRICH1 (glutamine rich 1; minus strand). Cytogenetic location: 3p21.31.
Variant type: Deletion.
Coding change: c.288_309+2del on transcript NM_198880.3 (MANE Select); coding-DNA position 288 through the canonical splice donor site of the intron after coding-DNA position 309, 24 bases deleted (TCAGCAGCCGCAGCAGGTTCAGGT).
Molecular consequence: splice donor variant.
Genome position (GRCh38, 1-based): chr3:49,076,707-49,076,730, ACCTGAACCTGCTGCGGCTGCTGA deleted on the plus strand (TCAGCAGCCGCAGCAGGTTCAGGT on the coding strand, the reverse complement: QRICH1 is on the minus strand); deleting any 24 consecutive bases within chr3:49,076,707-49,076,735 gives the same sequence; the c. name uses the placement nearest the transcript's 3' end. VCF-style (leftmost placement, unchanged base first): chr3-49076706-TACCTGAACCTGCTGCGGCTGCTGA-T. GRCh37 (hg19) VCF-style: chr3-49114139-TACCTGAACCTGCTGCGGCTGCTGA-T.
Other names: c.288_309+2del (NM_001320584.1, NM_001320585.1, NM_017730.4 and 4 more transcripts).
Identifiers: ClinVar variation 4077455 (VCV004077455.2).